The following is an entry in ClinVar:

ClinVar aggregate classification (germline): Uncertain significance (1 of 4 stars; one submission).

Allele frequency attached by ClinVar (database versions not stated): gnomAD exomes below 0.00001; ExAC 0.00001; TOPMed 0.00003; gnomAD 0.00004.
gnomAD v4.1: 6 of 1,192,504 alleles (0.0005%); highest among the groups gnomAD compares: African/African-American, 0.011%; no homozygotes.

Submission:

GeneDx
Classification: Uncertain significance. Last evaluated: 2023-12-05. Review status: criteria provided, single submitter. Criteria: GeneDx Variant Classification Process June 2021. Collection method: clinical testing. Allele origin: germline. Affected: yes.
Comment: In silico analysis supports that this missense variant has a deleterious effect on protein structure/function; Reported using an alternate transcript of the gene; Has not been previously published as pathogenic or benign to our knowledge

NM_078629.4(MSL3):c.266A>C (p.Lys89Thr)

Gene: MSL3 (MSL complex subunit 3; plus strand). Cytogenetic location: Xp22.2.
Variant type: single nucleotide variant.
Coding change: c.266A>C on transcript NM_078629.4 (MANE Select); coding-DNA position 266, A replaced by C.
Protein change: p.Lys89Thr; replaces lysine 89 with threonine.
Molecular consequence: missense variant. On other transcripts: 5 prime UTR variant (2).
Genome position (GRCh38, 1-based): chrX:11,760,483, A>C. VCF-style: chrX-11760483-A-C. GRCh37 (hg19) VCF-style: chrX-11778602-A-C.
Other names: c.230A>C, p.Lys77Thr (NM_001193270.2); c.-99A>C (NM_001282174.1); c.-233A>C (NM_006800.4); c.266A>C, p.Lys89Thr (NM_078628.2); short protein forms K77T, K89T.
Identifiers: ClinVar variation 3253512 (VCV003253512.1), dbSNP rs760206428.